The following is an entry in ClinVar:

NM_015192.4(PLCB1):c.1854T>C (p.Gly618=)

Gene: PLCB1 (phospholipase C beta 1; plus strand). Cytogenetic location: 20p12.3.
Variant type: single nucleotide variant.
Coding change: c.1854T>C on transcript NM_015192.4 (MANE Select); coding-DNA position 1854, T replaced by C.
Protein change: p.Gly618=; no amino-acid change (glycine 618 retained).
Molecular consequence: synonymous variant.
Genome position (GRCh38, 1-based): chr20:8,729,140, T>C. VCF-style: chr20-8729140-T-C. GRCh37 (hg19) VCF-style: chr20-8709787-T-C.
Other names: c.1854T>C, p.Gly618= (NM_182734.3).
Identifiers: ClinVar variation 589976 (VCV000589976.22), dbSNP rs559952614, ClinGen allele CA9760090.
Genomic context (GRCh38, chr20:8,729,140, plus strand): 5'-TCCAAAAGGAACACGTGTGGATTCATCCAACTATATGCCTCAGCTCTTCTGGAATGCAGG[T>C]TGTCAGATGGTGGCACTTAATTTCCAGACAATGGGTAAGTACATGCTTGTTCCCATTCTG-3'
Protein context (NP_056007.1, residues 608-628): NYMPQLFWNA[Gly618=]CQMVALNFQT

ClinVar aggregate classification (germline): Conflicting classifications of pathogenicity. Review status: criteria provided, conflicting classifications (1 of 4 stars). 5 submissions from 5 submitters: Uncertain significance (1); Likely benign (3). 1 of the submissions does not count toward it. Last evaluated 2025-02-12.

Conditions:
Inborn genetic diseases. Identifiers: MedGen C0950123, MeSH D030342.
PLCB1-related disorder. Also called: PLCB1-related condition.
Developmental and epileptic encephalopathy, 12 (DEE12). Identifiers: MedGen C3150988, MONDO:0013389, OMIM 613722.

Allele frequency attached by ClinVar (database versions not stated): gnomAD below 0.00001 and 0.00006; TOPMed below 0.00001; gnomAD exomes 0.00011 and 0.00021; ExAC 0.00021; 1000 Genomes Project 30x 0.00047; 1000 Genomes Project 0.00060.
gnomAD v4.1: 167 of 1,612,274 alleles (0.01%); highest among the groups gnomAD compares: South Asian, 0.17%; no homozygotes.

Submissions (5):

Labcorp Genetics (formerly Invitae), Labcorp
Classification: Likely benign for Developmental and epileptic encephalopathy, 12. Last evaluated: 2025-02-12. Review status: criteria provided, single submitter. Criteria: Invitae Variant Classification Sherloc (09022015). Collection method: clinical testing. Allele origin: germline.

Blueprint Genetics
Classification: Likely benign. Last evaluated: 2024-10-22. Review status: criteria provided, single submitter. Criteria: ACMG Guidelines, 2015. Collection method: clinical testing. Allele origin: germline.

Illumina Laboratory Services, Illumina
Classification: Uncertain significance for Developmental and epileptic encephalopathy, 12. Last evaluated: 2018-01-13. Review status: criteria provided, single submitter. Criteria: ICSL Variant Classification Criteria 13 December 2019. Collection method: clinical testing. Allele origin: germline.

Ambry Genetics
Classification: Likely benign for Inborn genetic diseases. Last evaluated: 2016-12-02. Review status: criteria provided, single submitter. Criteria: Ambry Variant Classification Scheme 2023. Collection method: clinical testing. Allele origin: germline.

PreventionGenetics, part of Exact Sciences
Classification: Likely benign for PLCB1-related condition. Last evaluated: 2019-06-07. Review status: no assertion criteria provided. Collection method: clinical testing. Allele origin: germline. Not counted in ClinVar's aggregate classification.
Comment: This variant is classified as likely benign based on ACMG/AMP sequence variant interpretation guidelines (Richards et al. 2015 PMID: 25741868, with internal and published modifications).